The following is an entry in ClinVar:

NM_001195553.2(DCX):c.125C>T (p.Thr42Ile)

Gene: DCX (doublecortin; minus strand). Cytogenetic location: Xq23.
Variant type: single nucleotide variant.
Coding change: c.125C>T on transcript NM_001195553.2 (MANE Select); coding-DNA position 125, C replaced by T.
Protein change: p.Thr42Ile; replaces threonine 42 with isoleucine.
Molecular consequence: missense variant.
Genome position (GRCh38, 1-based): chrX:111,410,274, G>A on the plus strand (C>T on the coding strand, the complement: DCX is on the minus strand). VCF-style: chrX-111410274-G-A. GRCh37 (hg19) VCF-style: chrX-110653502-G-A.
Other names: c.368C>T, p.Thr123Ile (NM_000555.3); c.125C>T, p.Thr42Ile (NM_001369370.1, NM_001369371.1, NM_001369372.1 and 6 more transcripts); short protein forms T123I, T42I.
Identifiers: ClinVar variation 4891316 (VCV004891316.1).

ClinVar aggregate classification (germline): Likely pathogenic (1 of 4 stars; one submission).

Submission:

GeneDx
Classification: Likely pathogenic. Last evaluated: 2026-03-10. Review status: criteria provided, single submitter. Criteria: GeneDx Variant Classification Process June 2021. Collection method: clinical testing. Allele origin: germline.
Comment: Not observed at significant frequency in large population cohorts (gnomAD); In silico analysis supports that this missense variant has a deleterious effect on protein structure/function; This variant is associated with the following publications: (PMID: 12552055)